The following is an entry in ClinVar:

ClinVar aggregate classification (germline): Pathogenic. Review status: criteria provided, multiple submitters, no conflicts (2 of 4 stars). 6 submissions from 6 submitters: Pathogenic (5). 1 of the submissions does not count toward it. Last evaluated 2025-10-28.

Conditions:
Familial hypokalemia-hypomagnesemia (GTLMNS). Also called: gitelman syndrome; HYPOMAGNESEMIA-HYPOKALEMIA, PRIMARY RENOTUBULAR, WITH HYPOCALCIURIA; POTASSIUM AND MAGNESIUM DEPLETION. Identifiers: Orphanet 358, MedGen C0268450, MONDO:0009904, OMIM 263800.
Bartter syndrome. Identifiers: Orphanet 112, MedGen C0004775, MONDO:0015231.

Submissions (6):

Natera, Inc.
Classification: Pathogenic for Gitelman syndrome. Last evaluated: 2025-10-28. Review status: criteria provided, single submitter. Criteria: Natera Variant Classification Schema (03/2026). Collection method: clinical testing. Allele origin: germline.
Comment: The c.20_21delCA variant in SLC12A3 is a frameshift variant predicted to shift the reading frame beginning at codon 7 and leads to a stop codon 22 codons downstream. This variant is expected to result in nonsense mediated decay, truncation, or a dysfunctional protein product. This variant is rare in the general population with a frequency below the threshold expected for the associated phenotype(s). This variant has been observed in one or more individuals affected with the associated recessive disease, as either homozygous or compound heterozygous with a second variant (PMID: 35628451). Given the available evidence, this variant is classified as Pathogenic.

GeneDx
Classification: Pathogenic. Last evaluated: 2024-06-26. Review status: criteria provided, single submitter. Criteria: GeneDx Variant Classification Process June 2021. Collection method: clinical testing. Allele origin: germline. Affected: yes.
Comment: Frameshift variant predicted to result in protein truncation or nonsense mediated decay in a gene for which loss of function is a known mechanism of disease; Not observed at significant frequency in large population cohorts (gnomAD); This variant is associated with the following publications: (PMID: 17699451, 21415153, 35628451, 31672324, 20675610)

Fulgent Genetics
Classification: Pathogenic for Familial hypokalemia-hypomagnesemia. Last evaluated: 2024-06-22. Review status: criteria provided, single submitter. Criteria: ACMG Guidelines, 2015. Collection method: clinical testing. Allele origin: germline.

Labcorp Genetics (formerly Invitae), Labcorp
Classification: Pathogenic. Last evaluated: 2022-05-20. Review status: criteria provided, single submitter. Criteria: Invitae Variant Classification Sherloc (09022015). Collection method: clinical testing. Allele origin: germline.
Comment: This variant is present in population databases (rs750710315, gnomAD 0.0009%). This sequence change creates a premature translational stop signal (p.Thr7Argfs*22) in the SLC12A3 gene. It is expected to result in an absent or disrupted protein product. Loss-of-function variants in SLC12A3 are known to be pathogenic (PMID: 20848653, 22009145, 25841442). This premature translational stop signal has been observed in individual(s) with Gitelman syndrome (PMID: 20675610, 21415153, 31672324). For these reasons, this variant has been classified as Pathogenic. ClinVar contains an entry for this variant (Variation ID: 817609).

Mendelics
Classification: Pathogenic for Familial hypokalemia-hypomagnesemia. Last evaluated: 2022-05-04. Review status: criteria provided, single submitter. Criteria: Mendelics Assertion Criteria 2019. Collection method: clinical testing. Allele origin: germline.

Sydney Genome Diagnostics, Children's Hospital Westmead
Classification: Likely pathogenic for Familial hypokalemia-hypomagnesemia; Bartter syndrome. Last evaluated: 2018-05-29. Review status: no assertion criteria provided. Collection method: clinical testing. Allele origin: unknown. Affected: yes. Observed: 1 variant allele, 1 compound heterozygote. Not counted in ClinVar's aggregate classification.
Comment: This frameshifting variant is predicted to create a premature stop codon (p.Thr7Argfs*22) and may result in a null allele due to nonsense-mediated mRNA decay. To our knowledge, c.20_21del has not been previously reported to be a disease causing variant and it has not been reported in the ExAC allele frequency database. According to ACMG guidelines, this variant is considered to be likely pathogenic.

Literature cited by the submitters: PubMed 35628451 (cited by Natera, Inc.); PubMed 20848653 (cited by Labcorp Genetics (formerly Invitae), Labcorp); PubMed 22009145 (cited by Labcorp Genetics (formerly Invitae), Labcorp); PubMed 25841442 (cited by Labcorp Genetics (formerly Invitae), Labcorp); PubMed 20675610 (cited by Labcorp Genetics (formerly Invitae), Labcorp); PubMed 21415153 (cited by Labcorp Genetics (formerly Invitae), Labcorp); PubMed 31672324 (cited by Labcorp Genetics (formerly Invitae), Labcorp).

NM_001126108.2(SLC12A3):c.20_21del (p.Thr7fs)

Gene: SLC12A3 (solute carrier family 12 member 3; plus strand). Cytogenetic location: 16q13.
Variant type: Deletion.
Coding change: c.20_21del on transcript NM_001126108.2 (MANE Select); coding-DNA positions 20 to 21, 2 bases deleted (CA; older notation c.20_21delCA).
Protein change: p.Thr7fs; shifts the reading frame from threonine 7.
Molecular consequence: frameshift variant.
Genome position (GRCh38, 1-based): chr16:56,865,255-56,865,256, CA deleted; deleting any 2 consecutive bases within chr16:56,865,254-56,865,256 gives the same sequence; the c. name uses the placement nearest the transcript's 3' end. VCF-style (leftmost placement, unchanged base first): chr16-56865253-AAC-A. GRCh37 (hg19) VCF-style: chr16-56899165-AAC-A.
Other names: c.20_21del, p.Thr7fs (NM_000339.3, NM_001126107.2); c.20_21del (NM_000339.2); short protein forms T7fs.
Identifiers: ClinVar variation 817609 (VCV000817609.11), dbSNP rs750710315, ClinGen allele CA8068889.
Genomic context (GRCh38, chr16:56,865,253, plus strand): 5'-TGTCCTTGCGGATCCTGGCCCCTCCCTGGACACCCAGGCGACAATGGCAGAACTGCCCAC[AAC>A]AGAGACGCCTGGGGACGCCACTTTGTGCAGCGGGCGCTTCACCATCAGCACACTGCTGAG-3'